The following is an entry in ClinVar:

ClinVar aggregate classification (germline): Uncertain significance (1 of 4 stars; one submission).

Submission:

Labcorp Genetics (formerly Invitae), Labcorp
Classification: Uncertain significance. Last evaluated: 2026-01-25. Review status: criteria provided, single submitter. Criteria: Invitae Variant Classification Sherloc (09022015). Collection method: clinical testing. Allele origin: germline.
Comment: This sequence change replaces arginine, which is basic and polar, with serine, which is neutral and polar, at codon 110 of the MYLK3 protein (p.Arg110Ser). This variant is not present in population databases (gnomAD no frequency). This variant has not been reported in the literature in individuals affected with MYLK3-related conditions. ClinVar contains an entry for this variant (Variation ID: 1377793). An algorithm developed to predict the effect of missense changes on protein structure and function (PolyPhen-2) suggests that this variant is likely to be tolerated. In summary, the available evidence is currently insufficient to determine the role of this variant in disease. Therefore, it has been classified as a Variant of Uncertain Significance.

NM_182493.3(MYLK3):c.330G>C (p.Arg110Ser)

Gene: MYLK3 (myosin light chain kinase 3; minus strand). Cytogenetic location: 16q11.2.
Variant type: single nucleotide variant.
Coding change: c.330G>C on transcript NM_182493.3 (MANE Select); coding-DNA position 330, G replaced by C.
Protein change: p.Arg110Ser; replaces arginine 110 with serine.
Molecular consequence: missense variant. On other transcripts: intron variant (1).
Genome position (GRCh38, 1-based): chr16:46,747,864, C>G on the plus strand (G>C on the coding strand, the complement: MYLK3 is on the minus strand). VCF-style: chr16-46747864-C-G. GRCh37 (hg19) VCF-style: chr16-46781776-C-G.
Other names: c.-113-7717G>C (NM_001308301.1); short protein forms R110S.
Identifiers: ClinVar variation 1377793 (VCV001377793.6), dbSNP rs2143017188, ClinGen allele CA395797067.